The following is an entry in ClinVar:

NM_000569.8(FCGR3A):c.40+76G>T

Gene: FCGR3A (Fc gamma receptor IIIa; minus strand). Cytogenetic location: 1q23.3.
Variant type: single nucleotide variant.
Coding change: c.40+76G>T on transcript NM_000569.8 (MANE Select); 76 bases into the intron after coding-DNA position 40, G replaced by T.
Molecular consequence: intron variant.
Genome position (GRCh38, 1-based): chr1:161,549,621, C>A on the plus strand (G>T on the coding strand, the complement: FCGR3A is on the minus strand). VCF-style: chr1-161549621-C-A. GRCh37 (hg19) VCF-style: chr1-161519411-C-A.
Other names: c.40+76G>T (NM_001386450.1, NM_001329120.2, NM_001127593.1 and 2 more transcripts); c.355+76G>T (NM_001127592.2, NM_001329122.1).
Identifiers: ClinVar variation 2688108 (VCV002688108.2), dbSNP rs10917571, ClinGen allele CA10689172.

ClinVar aggregate classification (germline): Benign (1 of 4 stars; one submission).

Allele frequency attached by ClinVar (database versions not stated): 1000 Genomes Project 0.34046; 1000 Genomes Project 30x 0.34681; TOPMed 0.36158.

Submission:

Unidad de Genómica Garrahan, Hospital de Pediatría Garrahan
Classification: Benign. Last evaluated: 2024-01-24. Review status: criteria provided, single submitter. Criteria: ACMG Guidelines, 2015. Collection method: clinical testing. Allele origin: germline. Affected: no. Observed: 50 variant alleles.
Comment: This variant is classified as Benign based on local population frequency. This variant was detected in 53% of patients studied by a panel of primary immunodeficiencies. Number of patients: 50. Only high quality variants are reported.